The following is an entry in ClinVar:

ClinVar aggregate classification (germline): Uncertain significance (1 of 4 stars; one submission).

Allele frequency attached by ClinVar (database versions not stated): gnomAD exomes below 0.00001; TOPMed below 0.00001; ExAC 0.00001.
gnomAD v4.1: 1 of 1,613,932 alleles (0.000062%); highest among the groups gnomAD compares: Non-Finnish European, 0.000085%; no homozygotes.

Submission:

Labcorp Genetics (formerly Invitae), Labcorp
Classification: Uncertain significance. Last evaluated: 2024-10-21. Review status: criteria provided, single submitter. Criteria: Invitae Variant Classification Sherloc (09022015). Collection method: clinical testing. Allele origin: germline.
Comment: This sequence change replaces glutamine, which is neutral and polar, with arginine, which is basic and polar, at codon 4998 of the HMCN1 protein (p.Gln4998Arg). This variant is present in population databases (rs773919415, gnomAD 0.0009%). This variant has not been reported in the literature in individuals affected with HMCN1-related conditions. ClinVar contains an entry for this variant (Variation ID: 1388813). An algorithm developed to predict the effect of missense changes on protein structure and function (PolyPhen-2) suggests that this variant is likely to be tolerated. In summary, the available evidence is currently insufficient to determine the role of this variant in disease. Therefore, it has been classified as a Variant of Uncertain Significance.

NM_031935.3(HMCN1):c.14993A>G (p.Gln4998Arg)

Genes: HMCN1 (hemicentin 1; plus strand), LOC129388665 (MPRA-validated peak513 silencer; plus strand). Cytogenetic location: 1q31.1.
Variant type: single nucleotide variant.
Coding change: c.14993A>G on transcript NM_031935.3 (MANE Select); coding-DNA position 14993, A replaced by G.
Protein change: p.Gln4998Arg; replaces glutamine 4998 with arginine.
Molecular consequence: missense variant.
Genome position (GRCh38, 1-based): chr1:186,152,846, A>G. VCF-style: chr1-186152846-A-G. GRCh37 (hg19) VCF-style: chr1-186121978-A-G.
Other names: short protein forms Q4998R.
Identifiers: ClinVar variation 1388813 (VCV001388813.6), dbSNP rs773919415, ClinGen allele CA1295121.